The following is an entry in ClinVar:

ClinVar aggregate classification (germline): Uncertain significance (1 of 4 stars; one submission).

Allele frequency attached by ClinVar (database versions not stated): gnomAD 0.00001.

Submission:

Labcorp Genetics (formerly Invitae), Labcorp
Classification: Uncertain significance. Last evaluated: 2022-08-21. Review status: criteria provided, single submitter. Criteria: Invitae Variant Classification Sherloc (09022015). Collection method: clinical testing. Allele origin: germline.
Comment: In summary, the available evidence is currently insufficient to determine the role of this variant in disease. Therefore, it has been classified as a Variant of Uncertain Significance. Algorithms developed to predict the effect of missense changes on protein structure and function output the following: SIFT: "Tolerated"; PolyPhen-2: "Not Available"; Align-GVGD: "Class C0". The asparagine amino acid residue is found in multiple mammalian species, which suggests that this missense change does not adversely affect protein function. This variant has not been reported in the literature in individuals affected with MPLKIP-related conditions. This variant is present in population databases (no rsID available, gnomAD 0.01%). This sequence change replaces serine, which is neutral and polar, with asparagine, which is neutral and polar, at codon 25 of the MPLKIP protein (p.Ser25Asn).

NM_138701.4(MPLKIP):c.74G>A (p.Ser25Asn)

Gene: MPLKIP (M-phase specific PLK1 interacting protein; minus strand). Cytogenetic location: 7p14.1.
Variant type: single nucleotide variant.
Coding change: c.74G>A on transcript NM_138701.4 (MANE Select); coding-DNA position 74, G replaced by A.
Protein change: p.Ser25Asn; replaces serine 25 with asparagine.
Molecular consequence: missense variant.
Genome position (GRCh38, 1-based): chr7:40,134,494, C>T on the plus strand (G>A on the coding strand, the complement: MPLKIP is on the minus strand). VCF-style: chr7-40134494-C-T. GRCh37 (hg19) VCF-style: chr7-40174093-C-T.
Other names: short protein forms S25N.
Identifiers: ClinVar variation 2416696 (VCV002416696.6), dbSNP rs1267969631, ClinGen allele CA367308805.